The following is an entry in ClinVar:

NM_000138.5(FBN1):c.8393G>A (p.Gly2798Glu)

Gene: FBN1 (fibrillin 1; minus strand). Cytogenetic location: 15q21.1.
Variant type: single nucleotide variant.
Coding change: c.8393G>A on transcript NM_000138.5 (MANE Select); coding-DNA position 8393, G replaced by A.
Protein change: p.Gly2798Glu; replaces glycine 2798 with glutamic acid.
Molecular consequence: missense variant.
Genome position (GRCh38, 1-based): chr15:48,411,213, C>T on the plus strand (G>A on the coding strand, the complement: FBN1 is on the minus strand). VCF-style: chr15-48411213-C-T. GRCh37 (hg19) VCF-style: chr15-48703410-C-T.
Other names: short protein forms G2798E.
Identifiers: ClinVar variation 406309 (VCV000406309.8), dbSNP rs1060501049, ClinGen allele CA16614473.
Genomic context (GRCh38, chr15:48,411,213, plus strand): 5'-GTGAAGTGGAGGTAGCTGATCCCTTCCTTTTGGTTGATTTTAAAGAAGCCATCTTCATTT[C>T]CAGATTCGATCAAGTATCTGTTGTGATTCGTCAGAGTTGTAAGAGCTGGAAGGAGTTCTA-3'
Protein context (NP_000129.3, residues 2788-2808): TNHNRYLIES[Gly2798Glu]NEDGFFKINQ

ClinVar aggregate classification (germline): Uncertain significance (1 of 4 stars; one submission).

Conditions:
Marfan syndrome (MFS). Also called: Marfan syndrome, classic; Marfan syndrome type 1; Marfan's syndrome; MARFAN SYNDROME, TYPE I; FBN1-Related Marfan Syndrome. Identifiers: Orphanet 284963, Orphanet 558, MedGen C0024796, MONDO:0007947, OMIM 154700.
Familial thoracic aortic aneurysm and aortic dissection (TAAD). Also called: Thoracic aortic aneurysms and dissections. Identifiers: Orphanet 91387, MedGen C4707243, MONDO:0019625.

Submission:

Labcorp Genetics (formerly Invitae), Labcorp
Classification: Uncertain significance for Marfan syndrome; Familial thoracic aortic aneurysm and aortic dissection. Last evaluated: 2022-12-02. Review status: criteria provided, single submitter. Criteria: Invitae Variant Classification Sherloc (09022015). Collection method: clinical testing. Allele origin: germline.
Comment: In summary, the available evidence is currently insufficient to determine the role of this variant in disease. Therefore, it has been classified as a Variant of Uncertain Significance. Advanced modeling of protein sequence and biophysical properties (such as structural, functional, and spatial information, amino acid conservation, physicochemical variation, residue mobility, and thermodynamic stability) performed at Invitae indicates that this missense variant is expected to disrupt FBN1 protein function. ClinVar contains an entry for this variant (Variation ID: 406309). This variant has not been reported in the literature in individuals affected with FBN1-related conditions. This variant is not present in population databases (gnomAD no frequency). This sequence change replaces glycine, which is neutral and non-polar, with glutamic acid, which is acidic and polar, at codon 2798 of the FBN1 protein (p.Gly2798Glu).